The following is an entry in ClinVar:

ClinVar aggregate classification (germline): Conflicting classifications of pathogenicity. Review status: criteria provided, conflicting classifications (1 of 4 stars). 4 submissions from 4 submitters: Uncertain significance (1); Benign (2); Likely benign (1). Last evaluated 2025-11-05.

Conditions:
Inborn genetic diseases. Identifiers: MedGen C0950123, MeSH D030342.

Allele frequency attached by ClinVar (database versions not stated): gnomAD exomes 0.00004; ExAC 0.00011; ESP Exome Variant Server 0.00033; gnomAD 0.00037; TOPMed 0.00047; 1000 Genomes Project 0.00060; 1000 Genomes Project 30x 0.00094.
gnomAD v4.1: 112 of 1,613,578 alleles (0.0069%); highest among the groups gnomAD compares: African/African-American, 0.1%; 1 homozygote.

Submissions (4):

Ambry Genetics
Classification: Uncertain significance for Inborn genetic diseases. Last evaluated: 2025-11-05. Review status: criteria provided, single submitter. Criteria: Ambry Variant Classification Scheme 2023. Collection method: clinical testing. Allele origin: germline.

Mayo Clinic Laboratories, Mayo Clinic
Classification: Benign. Last evaluated: 2025-03-05. Review status: criteria provided, single submitter. Criteria: ACMG Guidelines, 2015. Collection method: clinical testing. Allele origin: germline. Observed: 1 variant allele.
Comment: BS1, BP4_strong

Labcorp Genetics (formerly Invitae), Labcorp
Classification: Likely benign. Last evaluated: 2024-03-13. Review status: criteria provided, single submitter. Criteria: Invitae Variant Classification Sherloc (09022015). Collection method: clinical testing. Allele origin: germline.

Blueprint Genetics
Classification: Benign. Last evaluated: 2023-07-11. Review status: criteria provided, single submitter. Criteria: ACMG Guidelines, 2015. Collection method: clinical testing. Allele origin: germline.

NM_014804.3(KIAA0753):c.2116A>G (p.Ile706Val)

Gene: KIAA0753 (KIAA0753; minus strand). Cytogenetic location: 17p13.1.
Variant type: single nucleotide variant.
Coding change: c.2116A>G on transcript NM_014804.3 (MANE Select); coding-DNA position 2116, A replaced by G.
Protein change: p.Ile706Val; replaces isoleucine 706 with valine.
Molecular consequence: missense variant. On other transcripts: non-coding transcript variant (3).
Genome position (GRCh38, 1-based): chr17:6,599,293, T>C on the plus strand (A>G on the coding strand, the complement: KIAA0753 is on the minus strand). VCF-style: chr17-6599293-T-C. GRCh37 (hg19) VCF-style: chr17-6502613-T-C.
Other names: p.Ile706Val; c.2116A>G (NM_014804.2); c.1219A>G, p.Ile407Val (NM_001351225.2); short protein forms I407V, I706V.
Identifiers: ClinVar variation 2170656 (VCV002170656.7), dbSNP rs201648021, ClinGen allele CA8330260.